The following is an entry in ClinVar:

ClinVar aggregate classification (germline): Likely benign. Review status: criteria provided, multiple submitters, no conflicts (2 of 4 stars). 2 submissions from 2 submitters: Likely benign (2). Last evaluated 2025-08-01.

Conditions:
Rhabdoid tumor predisposition syndrome 2 (RTPS2). Identifiers: Orphanet 231108, Orphanet 69077, MedGen C2750074, MONDO:0013224, OMIM 613325.

Submissions (2):

CeGaT Center for Human Genetics Tuebingen
Classification: Likely benign. Last evaluated: 2025-08-01. Review status: criteria provided, single submitter. Criteria: CeGaT Center For Human Genetics Tuebingen Variant Classification Criteria Version 2. Collection method: clinical testing. Allele origin: germline. Affected: yes. Observed: 1 variant allele.
Comment: SMARCA4: PM2:Supporting, BP4, BP7

Labcorp Genetics (formerly Invitae), Labcorp
Classification: Likely benign for Rhabdoid tumor predisposition syndrome 2. Last evaluated: 2023-03-04. Review status: criteria provided, single submitter. Criteria: Invitae Variant Classification Sherloc (09022015). Collection method: clinical testing. Allele origin: germline.

NM_003072.5(SMARCA4):c.2400A>G (p.Lys800=)

Gene: SMARCA4 (SWI/SNF related BAF chromatin remodeling complex subunit ATPase 4; plus strand). Cytogenetic location: 19p13.2.
Variant type: single nucleotide variant.
Coding change: c.2400A>G on transcript NM_003072.5 (MANE Select); coding-DNA position 2400, A replaced by G.
Protein change: p.Lys800=; no amino-acid change (lysine 800 retained).
Molecular consequence: synonymous variant. On other transcripts: non-coding transcript variant (1).
Genome position (GRCh38, 1-based): chr19:11,013,074, A>G. VCF-style: chr19-11013074-A-G. GRCh37 (hg19) VCF-style: chr19-11123750-A-G.
Other names: c.2400A>G, p.Lys800= (NM_001128844.3, NM_001128845.2, NM_001128846.2 and 6 more transcripts).
Identifiers: ClinVar variation 3018209 (VCV003018209.11), dbSNP rs2146280620, ClinGen allele CA505489831.
Genomic context (GRCh38, chr19:11,013,074, plus strand): 5'-GATGGGCCTGGGGAAGACCATCCAGACCATCGCGCTCATCACGTACCTCATGGAGCACAA[A>G]CGCATCAATGGGCCCTTCCTCATCATCGTGCCTCTCTCGTGAGTACCCGCTGCCAGCAAC-3'
Protein context (NP_003063.2, residues 790-810): IALITYLMEH[Lys800=]RINGPFLIIV